The following is an entry in ClinVar:

NM_001286.5(CLCN6):c.2139-3C>G

Gene: CLCN6 (chloride voltage-gated channel 6; plus strand). Cytogenetic location: 1p36.22.
Variant type: single nucleotide variant.
Coding change: c.2139-3C>G on transcript NM_001286.5 (MANE Select); 3 bases into the intron before coding-DNA position 2139, C replaced by G.
Molecular consequence: intron variant.
Genome position (GRCh38, 1-based): chr1:11,837,340, C>G. VCF-style: chr1-11837340-C-G. GRCh37 (hg19) VCF-style: chr1-11897397-C-G.
Other names: c.2073-3C>G (NM_001256959.2).
Identifiers: ClinVar variation 2129540 (VCV002129540.4), dbSNP rs1644963538, ClinGen allele CA998630077.

ClinVar aggregate classification (germline): Uncertain significance (1 of 4 stars; one submission).

Allele frequency attached by ClinVar (database versions not stated): gnomAD exomes below 0.00001; gnomAD 0.00001.

Submission:

Labcorp Genetics (formerly Invitae), Labcorp
Classification: Uncertain significance. Last evaluated: 2022-04-23. Review status: criteria provided, single submitter. Criteria: Invitae Variant Classification Sherloc (09022015). Collection method: clinical testing. Allele origin: germline.
Comment: In summary, the available evidence is currently insufficient to determine the role of this variant in disease. Therefore, it has been classified as a Variant of Uncertain Significance. Variants that disrupt the consensus splice site are a relatively common cause of aberrant splicing (PMID: 17576681, 9536098). Algorithms developed to predict the effect of sequence changes on RNA splicing suggest that this variant may disrupt the consensus splice site. This variant has not been reported in the literature in individuals affected with CLCN6-related conditions. This variant is not present in population databases (gnomAD no frequency). This sequence change falls in intron 19 of the CLCN6 gene. It does not directly change the encoded amino acid sequence of the CLCN6 protein. It affects a nucleotide within the consensus splice site.

Literature cited by the submitters: PubMed 17576681; PubMed 9536098.